The following is an entry in ClinVar:

NM_022166.4(XYLT1):c.1982G>A (p.Arg661Gln)

Genes: XYLT1 (xylosyltransferase 1; minus strand), LOC102723692 (uncharacterized LOC102723692; plus strand). Cytogenetic location: 16p12.3.
Variant type: single nucleotide variant.
Coding change: c.1982G>A on transcript NM_022166.4 (MANE Select); coding-DNA position 1982, G replaced by A.
Protein change: p.Arg661Gln; replaces arginine 661 with glutamine.
Molecular consequence: missense variant. On other transcripts: non-coding transcript variant (1).
Genome position (GRCh38, 1-based): chr16:17,134,518, C>T on the plus strand (G>A on the coding strand, the complement: XYLT1 is on the minus strand). VCF-style: chr16-17134518-C-T. GRCh37 (hg19) VCF-style: chr16-17228375-C-T.
Other names: short protein forms R661Q.
Identifiers: ClinVar variation 652797 (VCV000652797.8), dbSNP rs1275156523, ClinGen allele CA395219396.

ClinVar aggregate classification (germline): Uncertain significance (1 of 4 stars; one submission).

Conditions:
Desbuquois dysplasia 1 (DBQD1). Also called: MICROMELIC DWARFISM WITH VERTEBRAL AND METAPHYSEAL ABNORMALITIES AND ADVANCED CARPOTARSAL OSSIFICATION; DESBUQUOIS DYSPLASIA 1, KIM VARIANT. Identifiers: Orphanet 1425, MedGen C4012146, MONDO:0009629, OMIM 251450.

Allele frequency attached by ClinVar (database versions not stated): gnomAD 0.00001; gnomAD exomes 0.00001 and 0.00002; TOPMed 0.00001.
gnomAD v4.1: 28 of 1,613,992 alleles (0.0017%); highest among the groups gnomAD compares: South Asian, 0.0044%; no homozygotes.

Submission:

Labcorp Genetics (formerly Invitae), Labcorp
Classification: Uncertain significance for Desbuquois dysplasia 1. Last evaluated: 2022-06-27. Review status: criteria provided, single submitter. Criteria: Invitae Variant Classification Sherloc (09022015). Collection method: clinical testing. Allele origin: germline.
Comment: This sequence change replaces arginine, which is basic and polar, with glutamine, which is neutral and polar, at codon 661 of the XYLT1 protein (p.Arg661Gln). This variant is present in population databases (no rsID available, gnomAD 0.006%). This variant has not been reported in the literature in individuals affected with XYLT1-related conditions. ClinVar contains an entry for this variant (Variation ID: 652797). Algorithms developed to predict the effect of missense changes on protein structure and function (SIFT, PolyPhen-2, Align-GVGD) all suggest that this variant is likely to be tolerated. In summary, the available evidence is currently insufficient to determine the role of this variant in disease. Therefore, it has been classified as a Variant of Uncertain Significance.